The following is an entry in ClinVar:

NM_001267550.2(TTN):c.11311+1405C>T

Gene: TTN (titin; minus strand). Cytogenetic location: 2q31.2.
Variant type: single nucleotide variant.
Coding change: c.11311+1405C>T on transcript NM_001267550.2 (MANE Select); 1405 bases into the intron after coding-DNA position 11311, C replaced by T.
Molecular consequence: intron variant. On other transcripts: missense variant (1).
Genome position (GRCh38, 1-based): chr2:178,751,719, G>A on the plus strand (C>T on the coding strand, the complement: TTN is on the minus strand). VCF-style: chr2-178751719-G-A. GRCh37 (hg19) VCF-style: chr2-179616446-G-A.
Other names: c.10681C>T, p.His3561Tyr (NM_133379.5); c.10222+1405C>T (NM_003319.4); c.10798+1405C>T (NM_133437.4); c.10597+1405C>T (NM_133432.3); c.10360+1405C>T (NM_133378.4, NM_001256850.1); short protein forms H3561Y.
Identifiers: ClinVar variation 3892755 (VCV003892755.3), dbSNP rs547006882.
Genomic context (GRCh38, chr2:178,751,719, plus strand): 5'-GTAACCTATAACTTCCAGAATCTCTGTCTTGGACCCTTTTAATCTCTAAGCTGGAAGAGT[G>A]ATGGTGTAAATCACTCTCAGCTTTTATAATCCGACGAAGACCTGTTGGGATGGGCCGATT-3'

ClinVar aggregate classification (germline): Conflicting classifications of pathogenicity. Review status: criteria provided, conflicting classifications (1 of 4 stars). 3 submissions from 3 submitters: Uncertain significance (1); Likely benign (2). Last evaluated 2026-09-21.

Conditions:
Hypertrophic cardiomyopathy 9. Also called: Familial hypertrophic cardiomyopathy 9. Identifiers: MedGen C1861065, MONDO:0013412, OMIM 613765.
Tibial muscular dystrophy (TMD). Also called: UDD MYOPATHY; Tibial muscular dystrophy, tardive; Udd Distal Myopathy – Tibial Muscular Dystrophy. Identifiers: Orphanet 609, MedGen C1838244, MONDO:0010870, OMIM 600334.
Autosomal recessive limb-girdle muscular dystrophy type 2J (LGMDR10). Also called: Limb-girdle muscular dystrophy, type 2J; MUSCULAR DYSTROPHY, LIMB-GIRDLE, AUTOSOMAL RECESSIVE 10. Identifiers: Orphanet 140922, MedGen C1837342, MONDO:0012127, OMIM 608807.
Early-onset myopathy with fatal cardiomyopathy (CMYO5). Also called: CONGENITAL MYOPATHY 5 WITH CARDIOMYOPATHY; Salih Myopathy. Identifiers: Orphanet 289377, MedGen C2673677, MONDO:0012714, OMIM 611705. Disease mechanism: loss of function.
Myopathy, myofibrillar, 9, with early respiratory failure (MFM9). Also called: EDSTROM MYOPATHY; MYOPATHY, PROXIMAL, WITH EARLY RESPIRATORY MUSCLE INVOLVEMENT; Hereditary myopathy with early respiratory failure; Myopathy, distal, with early respiratory failure, autosomal dominant. Identifiers: Orphanet 178464, Orphanet 34521, MedGen C1863599, MONDO:0011362, OMIM 603689.
Dilated cardiomyopathy 1G (CMD1G). Identifiers: Orphanet 154, MedGen C1858763, MONDO:0011400, OMIM 604145.

gnomAD v4.1: 13 of 1,613,310 alleles (0.00081%); highest among the groups gnomAD compares: East Asian, 0.018%; no homozygotes.

Submissions (3):

Molecular Diagnostic Laboratory for Inherited Cardiovascular Disease, Montreal Heart Institute
Classification: Likely benign. Last evaluated: 2026-09-21. Review status: criteria provided, single submitter. Criteria: ACMG Guidelines, 2015. Collection method: clinical testing. Allele origin: germline. Affected: no.
Comment: BP1

Women's Health and Genetics/Laboratory Corporation of America, LabCorp
Classification: Likely benign. Last evaluated: 2025-06-27. Review status: criteria provided, single submitter. Criteria: LabCorp Variant Classification Summary - May 2015. Collection method: clinical testing. Allele origin: germline.
Comment: Variant summary: TTN c.10360+1405C>T is located at a position not widely known to affect splicing. This variant corresponds to c.10681C>T(p.His356Tyr) in NM_133379.The variant allele was found at a frequency of 5.6e-05 in 250038 control chromosomes, predominantly at a frequency of 0.00065 within the East Asian subpopulation in the gnomAD database. The observed variant frequency within East Asian control individuals in the gnomAD database is approximately 1.66 fold of the estimated maximal expected allele frequency for a pathogenic variant in TTN causing Autosomal Recessive Titinopathy phenotype (0.00039). To our knowledge, no occurrence of c.10360+1405C>T in individuals affected with Autosomal Recessive Titinopathy and no experimental evidence demonstrating its impact on protein function have been reported. ClinVar contains an entry for this variant (Variation ID: 3892755). Based on the evidence outlined above, the variant was classified as likely benign.

Department of Pathology and Laboratory Medicine, Sinai Health System
Classification: Uncertain significance for Tibial muscular dystrophy; Myopathy, myofibrillar, 9, with early respiratory failure; Dilated cardiomyopathy 1G; Autosomal recessive limb-girdle muscular dystrophy type 2J; Early-onset myopathy with fatal cardiomyopathy; Hypertrophic cardiomyopathy 9. Last evaluated: 2021-07-30. Review status: criteria provided, single submitter. Criteria: ACMG Guidelines, 2015. Collection method: research. Allele origin: germline.